The following is an entry in ClinVar:

NM_000400.4(ERCC2):c.1831+6T>G

Gene: ERCC2 (ERCC excision repair 2, TFIIH core complex helicase subunit; minus strand). Cytogenetic location: 19q13.32.
Variant type: single nucleotide variant.
Coding change: c.1831+6T>G on transcript NM_000400.4 (MANE Select); 6 bases into the intron after coding-DNA position 1831, T replaced by G.
Molecular consequence: intron variant.
Genome position (GRCh38, 1-based): chr19:45,353,077, A>C on the plus strand (T>G on the coding strand, the complement: ERCC2 is on the minus strand). VCF-style: chr19-45353077-A-C. GRCh37 (hg19) VCF-style: chr19-45856335-A-C.
Identifiers: ClinVar variation 2182475 (VCV002182475.2), dbSNP rs554242651, ClinGen allele CA9513063.

ClinVar aggregate classification (germline): Uncertain significance (1 of 4 stars; one submission).

Allele frequency attached by ClinVar (database versions not stated): TOPMed below 0.00001; gnomAD 0.00003; gnomAD exomes 0.00009; 1000 Genomes Project 30x 0.00016; 1000 Genomes Project 0.00020; ExAC 0.00023.
gnomAD v4.1: 134 of 1,611,872 alleles (0.0083%); highest among the groups gnomAD compares: South Asian, 0.14%; 2 homozygotes.

Submission:

Labcorp Genetics (formerly Invitae), Labcorp
Classification: Uncertain significance. Last evaluated: 2024-10-24. Review status: criteria provided, single submitter. Criteria: Invitae Variant Classification Sherloc (09022015). Collection method: clinical testing. Allele origin: germline.
Comment: This sequence change falls in intron 19 of the ERCC2 gene. It does not directly change the encoded amino acid sequence of the ERCC2 protein. It affects a nucleotide within the consensus splice site. This variant is present in population databases (rs554242651, gnomAD 0.2%). This variant has not been reported in the literature in individuals affected with ERCC2-related conditions. ClinVar contains an entry for this variant (Variation ID: 2182475). Variants that disrupt the consensus splice site are a relatively common cause of aberrant splicing (PMID: 17576681, 9536098). Algorithms developed to predict the effect of sequence changes on RNA splicing suggest that this variant is not likely to affect RNA splicing. In summary, the available evidence is currently insufficient to determine the role of this variant in disease. Therefore, it has been classified as a Variant of Uncertain Significance.

Literature cited by the submitters: PubMed 17576681; PubMed 9536098.